The following is an entry in ClinVar:

NM_015662.3(IFT172):c.4366G>A (p.Glu1456Lys)

Gene: IFT172 (intraflagellar transport 172; minus strand). Cytogenetic location: 2p23.3.
Variant type: single nucleotide variant.
Coding change: c.4366G>A on transcript NM_015662.3 (MANE Select); coding-DNA position 4366, G replaced by A.
Protein change: p.Glu1456Lys; replaces glutamic acid 1456 with lysine.
Molecular consequence: missense variant.
Genome position (GRCh38, 1-based): chr2:27,448,977, C>T on the plus strand (G>A on the coding strand, the complement: IFT172 is on the minus strand). VCF-style: chr2-27448977-C-T. GRCh37 (hg19) VCF-style: chr2-27671844-C-T.
Other names: short protein forms E1456K.
Identifiers: ClinVar variation 944859 (VCV000944859.6), dbSNP rs775476765, ClinGen allele CA1579631.

ClinVar aggregate classification (germline): Uncertain significance. Review status: criteria provided, multiple submitters, no conflicts (2 of 4 stars). 2 submissions from 2 submitters: Uncertain significance (2). Last evaluated 2026-02-24.

Conditions:
IFT172-related disorder. Also called: IFT172-related disorders; IFT172-related condition.
Short-rib thoracic dysplasia 10 with or without polydactyly (SRTD10). Identifiers: Orphanet 474, MedGen C3810175, MONDO:0014284, OMIM 615630.
Retinitis pigmentosa 71 (RP71). Identifiers: Orphanet 791, MedGen C4225342, MONDO:0014618, OMIM 616394.

Allele frequency attached by ClinVar (database versions not stated): gnomAD exomes below 0.00001; ExAC 0.00001; gnomAD 0.00001; TOPMed 0.00002.
gnomAD v4.1: 4 of 1,612,740 alleles (0.00025%); highest among the groups gnomAD compares: African/African-American, 0.004%; no homozygotes.

Submissions (2):

PreventionGenetics, part of Exact Sciences
Classification: Uncertain significance for IFT172-related condition. Last evaluated: 2026-02-24. Review status: criteria provided, single submitter. Criteria: ACMG Guidelines, 2015. Collection method: clinical testing. Allele origin: germline.
Comment: The IFT172 c.4366G>A variant is predicted to result in the amino acid substitution p.Glu1456Lys. This variant has been reported in a cohort of individuals tested for suspected retinitis pigmentosa (Table S2, Gao et al. 2019. PubMed ID: 31054281). This variant is reported in 0.0062% of alleles in individuals of African descent in gnomAD. At this time, the clinical significance of this variant is uncertain due to the absence of conclusive functional and genetic evidence.

Labcorp Genetics (formerly Invitae), Labcorp
Classification: Uncertain significance for Retinitis pigmentosa 71; Short-rib thoracic dysplasia 10 with or without polydactyly. Last evaluated: 2022-02-08. Review status: criteria provided, single submitter. Criteria: Invitae Variant Classification Sherloc (09022015). Collection method: clinical testing. Allele origin: germline.
Comment: This sequence change replaces glutamic acid, which is acidic and polar, with lysine, which is basic and polar, at codon 1456 of the IFT172 protein (p.Glu1456Lys). This variant is present in population databases (rs775476765, gnomAD 0.007%). This missense change has been observed in individual(s) with clinical features of inherited retinal dystrophy (PMID: 31054281). ClinVar contains an entry for this variant (Variation ID: 944859). Algorithms developed to predict the effect of missense changes on protein structure and function (SIFT, PolyPhen-2, Align-GVGD) all suggest that this variant is likely to be tolerated. In summary, the available evidence is currently insufficient to determine the role of this variant in disease. Therefore, it has been classified as a Variant of Uncertain Significance.

Literature cited by the submitters: PubMed 31054281 (cited by Labcorp Genetics (formerly Invitae), Labcorp).